The following is an entry in ClinVar:

ClinVar aggregate classification (germline): Uncertain significance (1 of 4 stars; one submission).

Conditions:
Pontocerebellar hypoplasia type 9. Identifiers: Orphanet 369920, MedGen C4014354, MONDO:0014351, OMIM 615809.
Hereditary spastic paraplegia 63. Also called: Spastic paraplegia 63, autosomal recessive. Identifiers: Orphanet 401805, MedGen C3810295, MONDO:0014305, OMIM 615686.

Submission:

Labcorp Genetics (formerly Invitae), Labcorp
Classification: Uncertain significance for Pontocerebellar hypoplasia type 9; Hereditary spastic paraplegia 63. Last evaluated: 2022-08-09. Review status: criteria provided, single submitter. Criteria: Invitae Variant Classification Sherloc (09022015). Collection method: clinical testing. Allele origin: germline.
Comment: This variant is not present in population databases (gnomAD no frequency). This variant, c.401_424del, is a complex sequence change that results in the deletion of 9 and insertion of 1 amino acid(s) in the AMPD2 protein (p.Ser134_Ser142delinsCys). This variant has not been reported in the literature in individuals affected with AMPD2-related conditions. In summary, the available evidence is currently insufficient to determine the role of this variant in disease. Therefore, it has been classified as a Variant of Uncertain Significance. Experimental studies and prediction algorithms are not available or were not evaluated, and the functional significance of this variant is currently unknown. ClinVar contains an entry for this variant (Variation ID: 1461420).

NM_001368809.2(AMPD2):c.239_262del (p.Ser80_Ser88delinsCys)

Gene: AMPD2 (adenosine monophosphate deaminase 2; plus strand). Cytogenetic location: 1p13.3.
Variant type: Deletion.
Coding change: c.239_262del on transcript NM_001368809.2 (MANE Select); coding-DNA positions 239 to 262, 24 bases deleted (CACTGGCTGAGAGCGAGCTCCGTA).
Protein change: p.Ser80_Ser88delinsCys.
Molecular consequence: inframe indel.
Genome position (GRCh38, 1-based): chr1:109,625,678-109,625,701, CACTGGCTGAGAGCGAGCTCCGTA deleted. VCF-style (leftmost placement, unchanged base first): chr1-109625677-TCACTGGCTGAGAGCGAGCTCCGTA-T. GRCh37 (hg19) VCF-style: chr1-110168299-TCACTGGCTGAGAGCGAGCTCCGTA-T.
Other names: c.47_70del, p.Ser16_Ser24delinsCys (NM_001257361.2); c.176_199del, p.Ser59_Ser67delinsCys (NM_001308170.1); c.239_262del, p.Ser80_Ser88delinsCys (NM_004037.9); c.158_181del, p.Ser53_Ser61delinsCys (NM_139156.4).
Identifiers: ClinVar variation 1461420 (VCV001461420.6), dbSNP rs2101154665, ClinGen allele CA2573131002.